The following is an entry in ClinVar:

ClinVar aggregate classification (germline): Uncertain significance (1 of 4 stars; one submission).

Submission:

Labcorp Genetics (formerly Invitae), Labcorp
Classification: Uncertain significance. Last evaluated: 2022-01-15. Review status: criteria provided, single submitter. Criteria: Invitae Variant Classification Sherloc (09022015). Collection method: clinical testing. Allele origin: germline.
Comment: This variant is not present in population databases (gnomAD no frequency). In summary, the available evidence is currently insufficient to determine the role of this variant in disease. Therefore, it has been classified as a Variant of Uncertain Significance. Experimental studies and prediction algorithms are not available or were not evaluated, and the functional significance of this variant is currently unknown. ClinVar contains an entry for this variant (Variation ID: 956681). This variant has not been reported in the literature in individuals affected with RCBTB1-related conditions. This variant, c.628_630dup, results in the insertion of 1 amino acid(s) of the RCBTB1 protein (p.Asn210dup), but otherwise preserves the integrity of the reading frame.

NM_018191.4(RCBTB1):c.628_630dup (p.Asn210dup)

Gene: RCBTB1 (RCC1 and BTB domain containing protein 1; minus strand). Cytogenetic location: 13q14.2.
Variant type: Duplication.
Coding change: c.628_630dup on transcript NM_018191.4 (MANE Select); coding-DNA positions 628 to 630, 3 bases duplicated (AAC; older notation c.628_630dupAAC).
Protein change: p.Asn210dup; duplicates asparagine 210.
Molecular consequence: inframe insertion. On other transcripts: non-coding transcript variant (2).
Genome position (GRCh38, 1-based): chr13:49,552,259-49,552,261, GTT duplicated on the plus strand (AAC on the coding strand, the reverse complement: RCBTB1 is on the minus strand); duplicating any 3 consecutive bases within chr13:49,552,259-49,552,262 gives the same sequence; the c. name uses the placement nearest the transcript's 3' end. VCF-style (leftmost placement, unchanged base first): chr13-49552258-C-CGTT. GRCh37 (hg19) VCF-style: chr13-50126394-C-CGTT.
Other names: c.628_630dup, p.Asn210dup (NM_001352500.2, NM_001352501.2, NM_001352502.2 and 3 more transcripts); c.49_51dup, p.Asn17dup (NM_001352506.2).
Identifiers: ClinVar variation 956681 (VCV000956681.9), dbSNP rs1435622116, ClinGen allele CA698750635.
Genomic context (GRCh38, chr13:49,552,258, plus strand): 5'-GCAAAGCTGCCACTCTCACAGGGGTCAGCTGGTTGCCATTGTTTCCCAGGCCCAGCTGAC[C>CGTT]GTTGCCATTGTAACCCCAGCCATATACCTTAGAGAGGACAGAAGGGAGAGAGTGAGATTT-3'